The following is an entry in ClinVar:

NM_001365999.1(SZT2):c.10005G>C (p.Gln3335His)

Gene: SZT2 (SZT2 subunit of KICSTOR complex; plus strand). Cytogenetic location: 1p34.2.
Variant type: single nucleotide variant.
Coding change: c.10005G>C on transcript NM_001365999.1 (MANE Select); coding-DNA position 10005, G replaced by C.
Protein change: p.Gln3335His; replaces glutamine 3335 with histidine.
Molecular consequence: missense variant.
Genome position (GRCh38, 1-based): chr1:43,448,647, G>C. VCF-style: chr1-43448647-G-C. GRCh37 (hg19) VCF-style: chr1-43914318-G-C.
Other names: c.9834G>C, p.Gln3278His (NM_015284.4); short protein forms Q3278H, Q3335H.
Identifiers: ClinVar variation 1062287 (VCV001062287.9), dbSNP rs372210084, ClinGen allele CA21653618.

ClinVar aggregate classification (germline): Uncertain significance (1 of 4 stars; one submission).

Allele frequency attached by ClinVar (database versions not stated): gnomAD exomes 0.00001 and 0.00003; gnomAD 0.00003; TOPMed 0.00006; ESP Exome Variant Server 0.00008.
gnomAD v4.1: 44 of 1,614,070 alleles (0.0027%); highest among the groups gnomAD compares: Non-Finnish European, 0.0037%; no homozygotes.

Submission:

Labcorp Genetics (formerly Invitae), Labcorp
Classification: Uncertain significance. Last evaluated: 2024-10-16. Review status: criteria provided, single submitter. Criteria: Invitae Variant Classification Sherloc (09022015). Collection method: clinical testing. Allele origin: germline.
Comment: This sequence change replaces glutamine, which is neutral and polar, with histidine, which is basic and polar, at codon 3278 of the SZT2 protein (p.Gln3278His). This variant is present in population databases (rs372210084, gnomAD 0.004%). This variant has not been reported in the literature in individuals affected with SZT2-related conditions. ClinVar contains an entry for this variant (Variation ID: 1062287). Invitae Evidence Modeling of protein sequence and biophysical properties (such as structural, functional, and spatial information, amino acid conservation, physicochemical variation, residue mobility, and thermodynamic stability) has been performed for this missense variant. However, the output from this modeling did not meet the statistical confidence thresholds required to predict the impact of this variant on SZT2 protein function. In summary, the available evidence is currently insufficient to determine the role of this variant in disease. Therefore, it has been classified as a Variant of Uncertain Significance.